The following is an entry in ClinVar:

NM_000368.5(TSC1):c.1324A>G (p.Arg442Gly)

Gene: TSC1 (TSC complex subunit 1; minus strand). Cytogenetic location: 9q34.13.
Variant type: single nucleotide variant.
Coding change: c.1324A>G on transcript NM_000368.5 (MANE Select); coding-DNA position 1324, A replaced by G.
Protein change: p.Arg442Gly; replaces arginine 442 with glycine.
Molecular consequence: missense variant.
Genome position (GRCh38, 1-based): chr9:132,907,310, T>C on the plus strand (A>G on the coding strand, the complement: TSC1 is on the minus strand). VCF-style: chr9-132907310-T-C. GRCh37 (hg19) VCF-style: chr9-135782697-T-C.
Other names: c.1324A>G (NM_000368.4); c.1321A>G, p.Arg441Gly (NM_001162426.2); c.1171A>G, p.Arg391Gly (NM_001162427.2); c.961A>G, p.Arg321Gly (NM_001362177.2); short protein forms R321G, R441G, R442G, R391G.
Identifiers: ClinVar variation 1380047 (VCV001380047.8), dbSNP rs1845724649, ClinGen allele CA375366094.
Genomic context (GRCh38, chr9:132,907,310, plus strand): 5'-TAACCCAATTAGAAGAGGCAAGCAAGGCCTGTAGTAACGCAGAAATTTTACCTGATCCTC[T>C]GTCATTCAGAAGATGGTGTTGTCTGTGTAGACATGGTCTTGCAGAATCCATTCTCTCTTC-3'
Protein context (NP_000359.1, residues 432-452): LHRQHHLLND[Arg442Gly]GSEEPPGSKG

ClinVar aggregate classification (germline): Uncertain significance. Review status: criteria provided, multiple submitters, no conflicts (2 of 4 stars). 3 submissions from 3 submitters: Uncertain significance (3). Last evaluated 2025-06-30.

Conditions:
Tuberous sclerosis 1 (TSC1). Identifiers: Orphanet 805, MedGen C1854465, MONDO:0008612, OMIM 191100.
Hereditary cancer-predisposing syndrome. Also called: Tumor predisposition; Hereditary neoplastic syndrome; Neoplastic Syndromes, Hereditary; Hereditary Cancer Syndrome. Identifiers: Orphanet 140162, MedGen C0027672, MeSH D009386, MONDO:0015356.

Submissions (3):

GeneDx
Classification: Uncertain significance. Last evaluated: 2025-06-30. Review status: criteria provided, single submitter. Criteria: GeneDx Variant Classification Process June 2021. Collection method: clinical testing. Allele origin: germline. Affected: yes.
Comment: Not observed at significant frequency in large population cohorts (gnomAD); In silico analysis suggests that this missense variant does not alter protein structure/function; Has not been previously published as pathogenic or benign to our knowledge

Ambry Genetics
Classification: Uncertain significance for Hereditary cancer-predisposing syndrome. Last evaluated: 2025-02-10. Review status: criteria provided, single submitter. Criteria: Ambry Variant Classification Scheme 2023. Collection method: clinical testing. Allele origin: germline.
Comment: The p.R442G variant (also known as c.1324A>G), located in coding exon 11 of the TSC1 gene, results from an A to G substitution at nucleotide position 1324. The arginine at codon 442 is replaced by glycine, an amino acid with dissimilar properties. This amino acid position is conserved. In addition, the in silico prediction for this alteration is inconclusive. Based on the available evidence, the clinical significance of this variant remains unclear.

Labcorp Genetics (formerly Invitae), Labcorp
Classification: Uncertain significance for Tuberous sclerosis 1. Last evaluated: 2023-06-11. Review status: criteria provided, single submitter. Criteria: Invitae Variant Classification Sherloc (09022015). Collection method: clinical testing. Allele origin: germline.
Comment: In summary, the available evidence is currently insufficient to determine the role of this variant in disease. Therefore, it has been classified as a Variant of Uncertain Significance. Advanced modeling of protein sequence and biophysical properties (such as structural, functional, and spatial information, amino acid conservation, physicochemical variation, residue mobility, and thermodynamic stability) performed at Invitae indicates that this missense variant is not expected to disrupt TSC1 protein function. ClinVar contains an entry for this variant (Variation ID: 1380047). This variant has not been reported in the literature in individuals affected with TSC1-related conditions. This variant is not present in population databases (gnomAD no frequency). This sequence change replaces arginine, which is basic and polar, with glycine, which is neutral and non-polar, at codon 442 of the TSC1 protein (p.Arg442Gly).